The following is an entry in ClinVar:

ClinVar aggregate classification (germline): Likely benign. Review status: criteria provided, multiple submitters, no conflicts (2 of 4 stars). 2 submissions from 2 submitters: Likely benign (2). Last evaluated 2024-01-02.

Submissions (2):

Labcorp Genetics (formerly Invitae), Labcorp
Classification: Likely benign. Last evaluated: 2024-01-02. Review status: criteria provided, single submitter. Criteria: Invitae Variant Classification Sherloc (09022015). Collection method: clinical testing. Allele origin: germline.

Women's Health and Genetics/Laboratory Corporation of America, LabCorp
Classification: Likely benign. Last evaluated: 2020-06-05. Review status: criteria provided, single submitter. Criteria: LabCorp Variant Classification Summary - May 2015. Collection method: clinical testing. Allele origin: germline.
Comment: Variant summary: HBB c.21G>A alters a non-conserved nucleotide resulting in a synonymous change. 4/4 computational tools predict no significant impact on normal splicing. However, these predictions have yet to be confirmed by functional studies. The variant was absent in 251184 control chromosomes. The available data on variant occurrences in the general population are insufficient to allow any conclusion about variant significance. To our knowledge, no occurrence of c.21G>A in individuals affected with Hemoglobinopathy and no experimental evidence demonstrating its impact on protein function have been reported. No clinical diagnostic laboratories have submitted clinical-significance assessments for this variant to ClinVar after 2014. Based on the evidence outlined above, the variant was classified as likely benign.

NM_000518.5(HBB):c.21G>A (p.Glu7=)

Genes: HBB (hemoglobin subunit beta; minus strand), LOC106099062 (HBB recombination region; plus strand), LOC107133510 (origin of replication at HBB; plus strand). Cytogenetic location: 11p15.4.
Variant type: single nucleotide variant.
Coding change: c.21G>A on transcript NM_000518.5 (MANE Select); coding-DNA position 21, G replaced by A.
Protein change: p.Glu7=; no amino-acid change (glutamic acid 7 retained).
Molecular consequence: synonymous variant.
Genome position (GRCh38, 1-based): chr11:5,227,001, C>T on the plus strand (G>A on the coding strand, the complement: HBB is on the minus strand). VCF-style: chr11-5227001-C-T. GRCh37 (hg19) VCF-style: chr11-5248231-C-T.
Identifiers: ClinVar variation 933190 (VCV000933190.4), dbSNP rs1589893600, ClinGen allele CA472885724.